The following is an entry in ClinVar:

ClinVar aggregate classification (germline): Uncertain significance (1 of 4 stars; one submission).

Allele frequency attached by ClinVar (database versions not stated): ExAC 0.00002; gnomAD 0.00003 and 0.00004; gnomAD exomes 0.00003; TOPMed 0.00004; ESP Exome Variant Server 0.00008.
gnomAD v4.1: 52 of 1,613,906 alleles (0.0032%); highest among the groups gnomAD compares: Middle Eastern, 0.016%; no homozygotes.

Submission:

Labcorp Genetics (formerly Invitae), Labcorp
Classification: Uncertain significance. Last evaluated: 2021-08-24. Review status: criteria provided, single submitter. Criteria: Invitae Variant Classification Sherloc (09022015). Collection method: clinical testing. Allele origin: germline.
Comment: This sequence change replaces alanine with threonine at codon 149 of the CFAP298 protein (p.Ala149Thr). The alanine residue is highly conserved and there is a small physicochemical difference between alanine and threonine. This variant is present in population databases (rs367724246, ExAC 0.02%). This variant has not been reported in the literature in individuals affected with CFAP298-related conditions. Algorithms developed to predict the effect of missense changes on protein structure and function are either unavailable or do not agree on the potential impact of this missense change (SIFT: "Deleterious"; PolyPhen-2: "Benign"; Align-GVGD: "Class C0"). In summary, the available evidence is currently insufficient to determine the role of this variant in disease. Therefore, it has been classified as a Variant of Uncertain Significance.

NM_021254.4(CFAP298):c.445G>A (p.Ala149Thr)

Genes: CFAP298 (cilia and flagella associated protein 298; minus strand), CFAP298-TCP10L (CFAP298-TCP10L readthrough; minus strand). Cytogenetic location: 21q22.11.
Variant type: single nucleotide variant.
Coding change: c.445G>A on transcript NM_021254.4 (MANE Select); coding-DNA position 445, G replaced by A.
Protein change: p.Ala149Thr; replaces alanine 149 with threonine.
Molecular consequence: missense variant. On other transcripts: non-coding transcript variant (2).
Genome position (GRCh38, 1-based): chr21:32,604,214, C>T on the plus strand (G>A on the coding strand, the complement: CFAP298 is on the minus strand). VCF-style: chr21-32604214-C-T. GRCh37 (hg19) VCF-style: chr21-33976524-C-T.
Other names: c.445G>A, p.Ala149Thr (NM_001350338.2, NM_001350335.2, NM_001350336.2 and 1 more transcripts); c.148G>A, p.Ala50Thr (NM_001350334.2); short protein forms A149T, A50T.
Identifiers: ClinVar variation 454923 (VCV000454923.8), dbSNP rs367724246, ClinGen allele CA10002857.